The following is an entry in ClinVar:

ClinVar aggregate classification (germline): Conflicting classifications of pathogenicity. Review status: criteria provided, conflicting classifications (1 of 4 stars). 3 submissions from 3 submitters: Uncertain significance (2); Likely benign (1). Last evaluated 2023-03-31.

Conditions:
Inborn genetic diseases. Identifiers: MedGen C0950123, MeSH D030342.
Neurodevelopmental disorder with cataracts, poor growth, and dysmorphic facies. Identifiers: MedGen C5231414, MONDO:0032817, OMIM 618571.

Allele frequency attached by ClinVar (database versions not stated): gnomAD exomes 0.00006 and 0.00025; gnomAD 0.00009 and 0.00010; TOPMed 0.00014; ExAC 0.00017.
gnomAD v4.1: 98 of 1,612,590 alleles (0.0061%); highest among the groups gnomAD compares: Admixed American, 0.16%; 1 homozygote.

Submissions (3):

Ambry Genetics
Classification: Likely benign for Inborn genetic diseases. Last evaluated: 2023-03-31. Review status: criteria provided, single submitter. Criteria: Ambry Variant Classification Scheme 2023. Collection method: clinical testing. Allele origin: germline.

GeneDx
Classification: Uncertain significance. Last evaluated: 2023-03-22. Review status: criteria provided, single submitter. Criteria: GeneDx Variant Classification Process June 2021. Collection method: clinical testing. Allele origin: germline. Affected: yes.
Comment: In silico analysis suggests this variant may impact gene splicing. In the absence of RNA/functional studies, the actual effect of this sequence change is unknown.; In silico analysis supports that this missense variant does not alter protein structure/function; Has not been previously published as pathogenic or benign to our knowledge

New York Genome Center
Classification: Uncertain significance for Neurodevelopmental disorder with cataracts, poor growth, and dysmorphic facies. Last evaluated: 2019-09-13. Review status: criteria provided, single submitter. Criteria: NYGC Assertion Criteria 2020. Collection method: clinical testing. Allele origin: inherited. Observed: 1 compound heterozygote. Study: CSER-NYCKidSeq.
Comment: The inherited c.3679G>C (p.Glu1227Gln) variant identified in the INTS1 gene substitutes a completely conserved Glutamic Acid for Glutamine at amino acidat aminoacid 1227/2191 (coding exon 47/48). This variant is found in gnomAD (64 heterozygotes, 0 homozygotes; allele frequency: 2.29e-4) and ExAC (20 heterozygotes, 0 homozygotes; allele frequency: 1.69e-4). In silico algorithms predict this variant to be Neutral (Provean; score:-0.54) and Tolerated (SIFT; score:0.134) to the function of the canonical transcript. This variant is absent from ClinVar and to our current knowledge has not been reported in affected individuals in the literature. Given the lack of compelling evidence supporting its pathogenicity, the c.3679G>C (p.Glu1227Gln) variant identified in the INTS1 gene is reported here as a Variant of Uncertain Significiance.

NM_001080453.3(INTS1):c.3679G>C (p.Glu1227Gln)

Gene: INTS1 (integrator complex subunit 1; minus strand). Cytogenetic location: 7p22.3.
Variant type: single nucleotide variant.
Coding change: c.3679G>C on transcript NM_001080453.3 (MANE Select); coding-DNA position 3679, G replaced by C.
Protein change: p.Glu1227Gln; replaces glutamic acid 1227 with glutamine.
Molecular consequence: missense variant.
Genome position (GRCh38, 1-based): chr7:1,482,570, C>G on the plus strand (G>C on the coding strand, the complement: INTS1 is on the minus strand). VCF-style: chr7-1482570-C-G. GRCh37 (hg19) VCF-style: chr7-1522206-C-G.
Other names: short protein forms E1227Q.
Identifiers: ClinVar variation 992755 (VCV000992755.5), dbSNP rs758158889, ClinGen allele CA4119182.